The following is an entry in ClinVar:

ClinVar aggregate classification (germline): Uncertain significance (1 of 4 stars; one submission).

Conditions:
Hypokalemic periodic paralysis, type 1. Also called: HypoPP; Hypokalemic Periodic Paralysis Type 1 (AD). Identifiers: Orphanet 681, MedGen C3714580, MONDO:0042979, OMIM 170400.

Submission:

Department of Human Genetics, Hannover Medical School
Classification: Uncertain significance for Hypokalemic periodic paralysis, type 1. Last evaluated: 2025-02-12. Review status: criteria provided, single submitter. Criteria: ACMG Guidelines, 2015. Collection method: clinical testing. Allele origin: germline. Affected: yes.
Comment: ACMG: PP3_Strong, PM2_Supporting

NM_000069.3(CACNA1S):c.3025A>C (p.Thr1009Pro)

Gene: CACNA1S (calcium voltage-gated channel subunit alpha1 S; minus strand). Cytogenetic location: 1q32.1.
Variant type: single nucleotide variant.
Coding change: c.3025A>C on transcript NM_000069.3 (MANE Select); coding-DNA position 3025, A replaced by C.
Protein change: p.Thr1009Pro; replaces threonine 1009 with proline.
Molecular consequence: missense variant.
Genome position (GRCh38, 1-based): chr1:201,061,972, T>G on the plus strand (A>C on the coding strand, the complement: CACNA1S is on the minus strand). VCF-style: chr1-201061972-T-G. GRCh37 (hg19) VCF-style: chr1-201031100-T-G.
Other names: short protein forms T1009P.
Identifiers: ClinVar variation 3602793 (VCV003602793.1).